The following is an entry in ClinVar:

NM_003848.4(SUCLG2):c.370A>G (p.Asn124Asp)

Gene: SUCLG2 (succinate-CoA ligase GDP-forming subunit beta; minus strand). Cytogenetic location: 3p14.1.
Variant type: single nucleotide variant.
Coding change: c.370A>G on transcript NM_003848.4 (MANE Select); coding-DNA position 370, A replaced by G.
Protein change: p.Asn124Asp; replaces asparagine 124 with aspartic acid.
Molecular consequence: missense variant.
Genome position (GRCh38, 1-based): chr3:67,528,179, T>C on the plus strand (A>G on the coding strand, the complement: SUCLG2 is on the minus strand). VCF-style: chr3-67528179-T-C. GRCh37 (hg19) VCF-style: chr3-67578603-T-C.
Other names: c.370A>G, p.Asn124Asp (NM_001177599.2); short protein forms N124D.
Identifiers: ClinVar variation 3710058 (VCV003710058.2).

ClinVar aggregate classification (germline): Uncertain significance (1 of 4 stars; one submission).

gnomAD v4.1: 6 of 1,613,976 alleles (0.00037%); highest among the groups gnomAD compares: East Asian, 0.0022%; no homozygotes.

Submission:

Labcorp Genetics (formerly Invitae), Labcorp
Classification: Uncertain significance. Last evaluated: 2024-08-19. Review status: criteria provided, single submitter. Criteria: Invitae Variant Classification Sherloc (09022015). Collection method: clinical testing. Allele origin: germline.
Comment: This sequence change replaces asparagine, which is neutral and polar, with aspartic acid, which is acidic and polar, at codon 124 of the SUCLG2 protein (p.Asn124Asp). This variant is present in population databases (no rsID available, gnomAD 0.006%). This variant has not been reported in the literature in individuals affected with SUCLG2-related conditions. An algorithm developed to predict the effect of missense changes on protein structure and function (PolyPhen-2) suggests that this variant is likely to be disruptive. In summary, the available evidence is currently insufficient to determine the role of this variant in disease. Therefore, it has been classified as a Variant of Uncertain Significance.